The following is an entry in ClinVar:

ClinVar aggregate classification (germline): Pathogenic (1 of 4 stars; one submission).

Conditions:
Breast-ovarian cancer, familial, susceptibility to, 2 (BROVCA2). Also called: BRCA2 Hereditary Breast and Ovarian Cancer. Identifiers: Orphanet 145, MedGen C2675520, MONDO:0012933, OMIM 612555. Disease mechanism: loss of function.

Submission:

Myriad Genetics, Inc.
Classification: Pathogenic for Breast-ovarian cancer, familial, susceptibility to, 2. Last evaluated: 2026-04-22. Review status: criteria provided, single submitter. Criteria: Myriad Autosomal Dominant, Autosomal Recessive and X-Linked Classification Criteria (2023). Collection method: clinical testing. Allele origin: unknown.
Comment: This variant is considered pathogenic. This variant creates a frameshift predicted to result in premature protein truncation.

NM_000059.4(BRCA2):c.3454_3455delinsA (p.Leu1152fs)

Gene: BRCA2 (BRCA2 DNA repair associated; plus strand). Cytogenetic location: 13q13.1.
Variant type: Indel.
Coding change: c.3454_3455delinsA on transcript NM_000059.4 (MANE Select); coding-DNA positions 3454 to 3455, TT replaced by A.
Protein change: p.Leu1152fs; shifts the reading frame from leucine 1152.
Molecular consequence: frameshift variant. On other transcripts: non-coding transcript variant (1), intron variant (2).
Genome position (GRCh38, 1-based): chr13:32,337,809-32,337,810, TT replaced by A. VCF-style: chr13-32337809-TT-A. GRCh37 (hg19) VCF-style: chr13-32911946-TT-A.
Other names: c.3454_3455delinsA, p.Leu1152fs (NM_001406719.1, NM_001406720.1, NM_001432077.1); c.1909+4422_1909+4423delinsA (NM_001406721.1); c.425-6749_425-6748delinsA (NM_001406722.1); short protein forms L1152fs.
Identifiers: ClinVar variation 4876016 (VCV004876016.1).
Genomic context (GRCh38, chr13:32,337,809, plus strand): 5'-AAACCAAGCTACATATTGCAGAAGAGTACATTTGAAGTGCCTGAAAACCAGATGACTATC[TT>A]AAAGACCACTTCTGAGGAATGCAGAGATGCTGATCTTCATGTCATAATGAATGCCCCATC-3'